The following is an entry in ClinVar:

ClinVar aggregate classification (germline): Uncertain significance. Review status: criteria provided, multiple submitters, no conflicts (2 of 4 stars). 2 submissions from 2 submitters: Uncertain significance (2). Last evaluated 2024-09-10.

Conditions:
Hereditary pheochromocytoma and paraganglioma. Also called: Hereditary paragangliomas and pheochromocytomas; Hereditary Paraganglioma-Pheochromocytoma Syndromes; Hereditary pheochromocytoma-paraganglioma. Identifiers: Orphanet 29072, MedGen C4274332, MONDO:0017366.
Hereditary cancer-predisposing syndrome. Also called: Tumor predisposition; Hereditary Cancer Syndrome; Hereditary neoplastic syndrome; Neoplastic Syndromes, Hereditary. Identifiers: Orphanet 140162, MedGen C0027672, MeSH D009386, MONDO:0015356.

Allele frequency attached by ClinVar (database versions not stated): gnomAD exomes below 0.00001; TOPMed below 0.00001; gnomAD 0.00001.
gnomAD v4.1: 2 of 1,614,008 alleles (0.00012%); highest among the groups gnomAD compares: South Asian, 0.0011%; no homozygotes.

Submissions (2):

Ambry Genetics
Classification: Uncertain significance for Hereditary cancer-predisposing syndrome. Last evaluated: 2024-09-10. Review status: criteria provided, single submitter. Criteria: Ambry Variant Classification Scheme 2023. Collection method: clinical testing. Allele origin: germline.
Comment: The p.I144T variant (also known as c.431T>C), located in coding exon 3 of the TMEM127 gene, results from a T to C substitution at nucleotide position 431. The isoleucine at codon 144 is replaced by threonine, an amino acid with similar properties. This amino acid position is highly conserved in available vertebrate species. In addition, the in silico prediction for this alteration is inconclusive. Based on the available evidence, the clinical significance of this variant remains unclear.

Labcorp Genetics (formerly Invitae), Labcorp
Classification: Uncertain significance for Hereditary pheochromocytoma and paraganglioma. Last evaluated: 2024-08-01. Review status: criteria provided, single submitter. Criteria: Invitae Variant Classification Sherloc (09022015). Collection method: clinical testing. Allele origin: germline.
Comment: This sequence change replaces isoleucine, which is neutral and non-polar, with threonine, which is neutral and polar, at codon 144 of the TMEM127 protein (p.Ile144Thr). This variant is not present in population databases (gnomAD no frequency). This variant has not been reported in the literature in individuals affected with TMEM127-related conditions. ClinVar contains an entry for this variant (Variation ID: 1424988). An algorithm developed to predict the effect of missense changes on protein structure and function (PolyPhen-2) suggests that this variant is likely to be tolerated. In summary, the available evidence is currently insufficient to determine the role of this variant in disease. Therefore, it has been classified as a Variant of Uncertain Significance.

NM_017849.4(TMEM127):c.431T>C (p.Ile144Thr)

Gene: TMEM127 (transmembrane protein 127; minus strand). Cytogenetic location: 2q11.2.
Variant type: single nucleotide variant.
Coding change: c.431T>C on transcript NM_017849.4 (MANE Select); coding-DNA position 431, T replaced by C.
Protein change: p.Ile144Thr; replaces isoleucine 144 with threonine.
Molecular consequence: missense variant.
Genome position (GRCh38, 1-based): chr2:96,254,094, A>G on the plus strand (T>C on the coding strand, the complement: TMEM127 is on the minus strand). VCF-style: chr2-96254094-A-G. GRCh37 (hg19) VCF-style: chr2-96919832-A-G.
Other names: c.431T>C, p.Ile144Thr (NM_001193304.3); short protein forms I144T.
Identifiers: ClinVar variation 1424988 (VCV001424988.9), dbSNP rs1036821113, ClinGen allele CA52412216.
Genomic context (GRCh38, chr2:96,254,094, plus strand): 5'-TACTTCTTATGCTGCTGCTGCTGGGCCAAGATGAGTTCAGAAGCCCAATAAGAAAAGCCA[A>G]TGACGGTGGCACACTGCAGAACTAGGAGACAGAGGGACAGCACAGAAGGGGAATTAGTGA-3'
Protein context (NP_060319.1, residues 134-154): ILTVLQCATV[Ile144Thr]GFSYWASELI